The following is an entry in ClinVar:

ClinVar aggregate classification (germline): Conflicting classifications of pathogenicity. Review status: criteria provided, conflicting classifications (1 of 4 stars). 5 submissions from 5 submitters: Pathogenic (2); Likely pathogenic (1); Uncertain significance (2). Last evaluated 2025-11-25.

Conditions:
Hereditary spastic paraplegia 12 (SPG12). Also called: SPASTIC PARAPLEGIA 12, AUTOSOMAL DOMINANT. Identifiers: Orphanet 100993, MedGen C1858106, MONDO:0011489, OMIM 604805.
Neuronopathy, distal hereditary motor, autosomal recessive 11, with spasticity. Also called: NEUROPATHY, DISTAL HEREDITARY MOTOR, AUTOSOMAL RECESSIVE 11, WITH SPASTICITY. Identifiers: MedGen C5935630, MONDO:0971150, OMIM 620854.
Spastic paraplegia. Identifiers: MedGen C0037772, HP:0001258.

Submissions (5):

Women's Health and Genetics/Laboratory Corporation of America, LabCorp
Classification: Uncertain significance. Last evaluated: 2025-11-25. Review status: criteria provided, single submitter. Criteria: LabCorp Variant Classification Summary - May 2015. Collection method: clinical testing. Allele origin: germline.
Comment: Variant summary: RTN2 c.938dupC (p.Thr314TyrfsX31) results in a premature termination codon, predicted to cause a truncation of the encoded protein or absence of the protein due to nonsense mediated decay, which are commonly known mechanisms for disease. The frequency data for this variant in gnomAD is considered unreliable, as metrics indicate poor data quality at this position. To our knowledge, no occurrence of c.938dupC in individuals affected with RTN2-related conditions and no experimental evidence demonstrating its impact on protein function have been reported. However, 1. a high observed frequency of loss of function (LOF) variants in this exon in the gnomAD database, and 2. the presence of alternate transcripts completely or partially missing parts of exon 5, cast doubt on the relevance of this exon to the associated mechanism of disease. ClinVar contains an entry for this variant (Variation ID: 548603). Based on the evidence outlined above, the variant was classified as uncertain significance.

Labcorp Genetics (formerly Invitae), Labcorp
Classification: Pathogenic for Spastic paraplegia. Last evaluated: 2025-08-27. Review status: criteria provided, single submitter. Criteria: Invitae Variant Classification Sherloc (09022015). Collection method: clinical testing. Allele origin: germline.
Comment: This sequence change creates a premature translational stop signal (p.Thr314Tyrfs*31) in the RTN2 gene. It is expected to result in an absent or disrupted protein product. Loss-of-function variants in RTN2 are known to be pathogenic (PMID: 22232211, 27165006, 38527963). The frequency data for this variant in the population databases is considered unreliable, as metrics indicate poor data quality at this position in the gnomAD database. This variant has not been reported in the literature in individuals affected with RTN2-related conditions. ClinVar contains an entry for this variant (Variation ID: 548603). For these reasons, this variant has been classified as Pathogenic.

First Genomix Gene Laboratory, Genetic Diagnostics Department
Classification: Likely pathogenic for Neuronopathy, distal hereditary motor, autosomal recessive 11, with spasticity. Last evaluated: 2025-01-16. Review status: criteria provided, single submitter. Criteria: ACMG Guidelines, 2015. Collection method: clinical testing. Allele origin: germline. Inheritance: Autosomal recessive inheritance. Affected: no. Observed: 1 variant allele.

Genetic Foundation of Khorasan Razavi (GFKR)
Classification: Pathogenic for Hereditary spastic paraplegia 12. Last evaluated: 2022-04-12. Review status: criteria provided, single submitter. Criteria: ACMG Guidelines, 2015. Collection method: clinical testing. Allele origin: de novo. Affected: yes.
Comment: This variant(p.Thr314Tyrfs*31 ) is expected to result in nonsense-mediated decay or a severely truncated protein. Loss of function is a well-established disease mechanism for this gene, supporting pathogenicity. The variant is very rare from population databases, consistent with the rarity expected for a pathogenic allele. Taken together, these findings support a pathogenic classification according to ACMG/AMP guidelines. In addition This variant has also been previously submitted to ClinVar with a pathogenic classification(VCV000548603.10)

Genomic Research Center, Shahid Beheshti University of Medical Sciences
Classification: Uncertain significance for Hereditary spastic paraplegia 12. Last evaluated: 2018-03-05. Review status: criteria provided, single submitter. Criteria: ACMG Guidelines, 2015. Collection method: clinical testing. Allele origin: inherited. Affected: yes. Observed: 1 variant allele.

Literature cited by the submitters: PubMed 22232211 (cited by Labcorp Genetics (formerly Invitae), Labcorp); PubMed 27165006 (cited by Labcorp Genetics (formerly Invitae), Labcorp); PubMed 38527963 (cited by Labcorp Genetics (formerly Invitae), Labcorp).

NM_005619.5(RTN2):c.938dup (p.Thr314fs)

Genes: OPA3-RTN2 (OPA3-RTN2 readthrough; minus strand), RTN2 (reticulon 2; minus strand). Cytogenetic location: 19q13.32.
Variant type: Duplication.
Coding change: c.938dup on transcript NM_005619.5 (MANE Select); coding-DNA position 938, one base duplicated (C; older notation c.938dupC).
Protein change: p.Thr314fs; shifts the reading frame from threonine 314.
Molecular consequence: frameshift variant. On other transcripts: intron variant (1).
Genome position (GRCh38, 1-based): chr19:45,493,255, G duplicated on the plus strand (C on the coding strand, the reverse complement: RTN2 is on the minus strand); the first of 7 consecutive G bases (chr19:45,493,255-45,493,261); duplicating any one gives the same sequence. VCF-style (leftmost placement, unchanged base first): chr19-45493254-A-AG. GRCh37 (hg19) VCF-style: chr19-45996512-A-AG.
Other names: c.814+905dup (NM_206900.3); c.938dupC (NM_005619.4, NM_005619.5); short protein forms T314fs.
Identifiers: ClinVar variation 548603 (VCV000548603.14), dbSNP rs748397131, ClinGen allele CA9516125.
Genomic context (GRCh38, chr19:45,493,254, plus strand): 5'-GGGGACACCGCTGCTTCTCGGGGATTTTGCCCACTTCAGTAGAACCCGGAGGACAGGAGT[A>AG]GGGGGGGTGGGGCCCCTTTGGACCCAGCCAATGGCTGTCCACAGAGGTGGGGACAATTCC-3'